The following is an entry in ClinVar:

NM_000448.3(RAG1):c.1321G>T (p.Ala441Ser)

Gene: RAG1 (recombination activating 1; plus strand). Cytogenetic location: 11p12.
Variant type: single nucleotide variant.
Coding change: c.1321G>T on transcript NM_000448.3 (MANE Select); coding-DNA position 1321, G replaced by T.
Protein change: p.Ala441Ser; replaces alanine 441 with serine.
Molecular consequence: missense variant.
Genome position (GRCh38, 1-based): chr11:36,574,625, G>T. VCF-style: chr11-36574625-G-T. GRCh37 (hg19) VCF-style: chr11-36596175-G-T.
Other names: c.1321G>T, p.Ala441Ser (NM_001377277.1, NM_001377278.1, NM_001377279.1 and 1 more transcripts); short protein forms A441S.
Identifiers: ClinVar variation 1020035 (VCV001020035.8), dbSNP rs1850809055, ClinGen allele CA380152265.
Genomic context (GRCh38, chr11:36,574,625, plus strand): 5'-TTTGCTGACAAAGAAGAAGGTGGAGATGTGAAGTCCGTGTGCATGACCTTGTTCCTGCTG[G>T]CTCTGAGGGCGAGGAATGAGCACAGGCAAGCTGATGAGCTGGAGGCCATCATGCAGGGAA-3'
Protein context (NP_000439.2, residues 431-451): KSVCMTLFLL[Ala441Ser]LRARNEHRQA

ClinVar aggregate classification (germline): Uncertain significance (1 of 4 stars; one submission).

Conditions:
Severe combined immunodeficiency, autosomal recessive, T cell-negative, B cell-negative, NK cell-positive. Also called: SCID, T CELL-NEGATIVE, B CELL-NEGATIVE, NK CELL-POSITIVE; SCID, AR, T-cell negative, B-cell negative, NK cell-positive; Severe combined immunodeficiency due to complete RAG1/2 deficiency. Identifiers: Orphanet 331206, MedGen C1832322, MONDO:0011086, OMIM 601457.
Combined immunodeficiency with skin granulomas. Identifiers: Orphanet 157949, MedGen C2673536, MONDO:0009306, OMIM 233650.

Allele frequency attached by ClinVar (database versions not stated): gnomAD exomes below 0.00001.
gnomAD v4.1: 1 of 1,614,220 alleles (0.000062%); highest among the groups gnomAD compares: Non-Finnish European, 0.000085%; no homozygotes.

Submission:

Labcorp Genetics (formerly Invitae), Labcorp
Classification: Uncertain significance for Combined immunodeficiency with skin granulomas; Severe combined immunodeficiency, autosomal recessive, T cell-negative, B cell-negative, NK cell-positive. Last evaluated: 2020-06-16. Review status: criteria provided, single submitter. Criteria: Invitae Variant Classification Sherloc (09022015). Collection method: clinical testing. Allele origin: germline.
Comment: This sequence change replaces alanine with serine at codon 441 of the RAG1 protein (p.Ala441Ser). The alanine residue is moderately conserved and there is a moderate physicochemical difference between alanine and serine. This variant is not present in population databases (ExAC no frequency). This variant has not been reported in the literature in individuals with RAG1-related conditions. Algorithms developed to predict the effect of missense changes on protein structure and function are either unavailable or do not agree on the potential impact of this missense change (SIFT: "Deleterious"; PolyPhen-2: "Benign"; Align-GVGD: "Class C0"). In summary, the available evidence is currently insufficient to determine the role of this variant in disease. Therefore, it has been classified as a Variant of Uncertain Significance.